The following is an entry in ClinVar:

ClinVar aggregate classification (germline): Uncertain significance (1 of 4 stars; one submission).

Allele frequency attached by ClinVar (database versions not stated): gnomAD exomes 0.00004 and 0.00005; TOPMed 0.00006; ExAC 0.00007; gnomAD 0.00008 and 0.00009; 1000 Genomes Project 0.00020; ESP Exome Variant Server 0.00023; 1000 Genomes Project 30x 0.00047.
gnomAD v4.1: 66 of 1,603,346 alleles (0.0041%); highest among the groups gnomAD compares: African/African-American, 0.019%; no homozygotes.

Submission:

GeneDx
Classification: Uncertain significance. Last evaluated: 2022-01-28. Review status: criteria provided, single submitter. Criteria: GeneDx Variant Classification Process June 2021. Collection method: clinical testing. Allele origin: germline. Affected: yes.
Comment: In silico analysis supports that this missense variant does not alter protein structure/function; Has not been previously published as pathogenic or benign to our knowledge

NM_006946.4(SPTBN2):c.3164G>A (p.Arg1055Gln)

Gene: SPTBN2 (spectrin beta, non-erythrocytic 2; minus strand). Cytogenetic location: 11q13.2.
Variant type: single nucleotide variant.
Coding change: c.3164G>A on transcript NM_006946.4 (MANE Select); coding-DNA position 3164, G replaced by A.
Protein change: p.Arg1055Gln; replaces arginine 1055 with glutamine.
Molecular consequence: missense variant.
Genome position (GRCh38, 1-based): chr11:66,700,935, C>T on the plus strand (G>A on the coding strand, the complement: SPTBN2 is on the minus strand). VCF-style: chr11-66700935-C-T. GRCh37 (hg19) VCF-style: chr11-66468406-C-T.
Other names: short protein forms R1055Q.
Identifiers: ClinVar variation 1700284 (VCV001700284.2), dbSNP rs150359739, ClinGen allele CA6128922.